The following is an entry in ClinVar:

NM_001205293.3(CACNA1E):c.2419C>G (p.Pro807Ala)

Gene: CACNA1E (calcium voltage-gated channel subunit alpha1 E; plus strand). Cytogenetic location: 1q25.3.
Variant type: single nucleotide variant.
Coding change: c.2419C>G on transcript NM_001205293.3 (MANE Select); coding-DNA position 2419, C replaced by G.
Protein change: p.Pro807Ala; replaces proline 807 with alanine.
Molecular consequence: missense variant.
Genome position (GRCh38, 1-based): chr1:181,732,505, C>G. VCF-style: chr1-181732505-C-G. GRCh37 (hg19) VCF-style: chr1-181701641-C-G.
Other names: c.2419C>G, p.Pro807Ala (NM_000721.4); c.2362C>G, p.Pro788Ala (NM_001205294.2); short protein forms P788A, P807A.
Identifiers: ClinVar variation 4799990 (VCV004799990.1).
Genomic context (GRCh38, chr1:181,732,505, plus strand): 5'-AAGCACATGCAGATGTCCAGCCAGGAGGCCCTCAACAGAGAGGAGGCGCCGACCATGAAC[C>G]CGCTCAACCCCCTCAACCCGCTCAGCTCCCTCAACCCGCTCAATGCCCACCCCAGCCTTT-3'
Protein context (NP_001192222.1, residues 797-817): LNREEAPTMN[Pro807Ala]LNPLNPLSSL

ClinVar aggregate classification (germline): Uncertain significance (1 of 4 stars; one submission).

gnomAD v4.1: 1 of 1,551,422 alleles (0.000064%); highest among the groups gnomAD compares: South Asian, 0.0012%; no homozygotes.

Submission:

Labcorp Genetics (formerly Invitae), Labcorp
Classification: Uncertain significance. Last evaluated: 2025-11-24. Review status: criteria provided, single submitter. Criteria: Invitae Variant Classification Sherloc (09022015). Collection method: clinical testing. Allele origin: germline.
Comment: This sequence change replaces proline, which is neutral and non-polar, with alanine, which is neutral and non-polar, at codon 807 of the CACNA1E protein (p.Pro807Ala). This variant is not present in population databases (gnomAD no frequency). This variant has not been reported in the literature in individuals affected with CACNA1E-related conditions. Invitae Evidence Modeling of protein sequence and biophysical properties (such as structural, functional, and spatial information, amino acid conservation, physicochemical variation, residue mobility, and thermodynamic stability) indicates that this missense variant is not expected to disrupt CACNA1E protein function with a negative predictive value of 95%. In summary, the available evidence is currently insufficient to determine the role of this variant in disease. Therefore, it has been classified as a Variant of Uncertain Significance.